The following is an entry in ClinVar:

ClinVar aggregate classification (germline): Conflicting classifications of pathogenicity. Review status: criteria provided, conflicting classifications (1 of 4 stars). 5 submissions from 5 submitters: Likely pathogenic (3); Uncertain significance (2). Last evaluated 2025-11-24.

Conditions:
Mucopolysaccharidosis, MPS-IV-A (MPS4A). Also called: Mucopolysaccharidosis type IV A; MPS IVA; Mucopolysaccharidosis Type IVA; GALACTOSAMINE-6-SULFATASE DEFICIENCY; GALNS DEFICIENCY; Morquio syndrome A, mild. Identifiers: Orphanet 309297, Orphanet 582, MedGen C0086651, MONDO:0009659, OMIM 253000.
GALNS-related disorders.

Allele frequency attached by ClinVar (database versions not stated): gnomAD exomes below 0.00001; TOPMed below 0.00001; gnomAD 0.00001.
gnomAD v4.1: 2 of 1,554,766 alleles (0.00013%); highest among the groups gnomAD compares: African/African-American, 0.0014%; no homozygotes.

Submissions (5):

GeneDx
Classification: Likely pathogenic. Last evaluated: 2025-11-24. Review status: criteria provided, single submitter. Criteria: GeneDx Variant Classification Process June 2021. Collection method: clinical testing. Allele origin: germline. Affected: yes.
Comment: Reported previously in an individual who harbored a second variant in the GALNS gene; clinical information on this individual was not provided (PMID: 22521955); Not observed in large population cohorts (gnomAD); In silico analysis is inconclusive as to whether the variant alters gene splicing. In the absence of RNA/functional studies, the actual effect of this sequence change is unknown; In silico analysis supports that this missense variant has a deleterious effect on protein structure/function; This variant is associated with the following publications: (PMID: 22521955, 25287660, 34387910, 25545067)

Revvity Omics, Revvity
Classification: Uncertain significance for Mucopolysaccharidosis, MPS-IV-A. Last evaluated: 2023-04-03. Review status: criteria provided, single submitter. Criteria: ACMG Guidelines, 2015. Collection method: clinical testing. Allele origin: germline.

Genome-Nilou Lab
Classification: Likely pathogenic for Mucopolysaccharidosis, MPS-IV-A. Last evaluated: 2021-11-07. Review status: criteria provided, single submitter. Criteria: ACMG Guidelines, 2015. Collection method: clinical testing. Allele origin: germline. Affected: no.

Laboratory of Diagnosis and Therapy of Lysosomal Disorders, University of Padova
Classification: Uncertain significance for Mucopolysaccharidosis, MPS-IV-A. Last evaluated: 2021-02-01. Review status: criteria provided, single submitter. Criteria: ACMG Guidelines, 2015. Collection method: curation. Allele origin: germline. Affected: yes.
Comment: Absent from gnomAD v2.1.1 (PM2_moderate); multiple lines of computational evidence support a deleterious effect on the gene (PP3_supporting)

Blueprint Genetics
Classification: Likely pathogenic for GALNS-related disorders. Last evaluated: 2020-11-09. Review status: criteria provided, single submitter. Criteria: ACMG Guidelines, 2015. Collection method: clinical testing. Allele origin: germline. Affected: yes. Observed: 3 variant alleles.

Literature cited by the submitters: PubMed 22521955 (cited by Laboratory of Diagnosis and Therapy of Lysosomal Disorders, University of Padova); PubMed 34387910 (cited by Laboratory of Diagnosis and Therapy of Lysosomal Disorders, University of Padova).

NM_000512.5(GALNS):c.1483A>T (p.Asn495Tyr)

Gene: GALNS (galactosamine (N-acetyl)-6-sulfatase; minus strand). Cytogenetic location: 16q24.3.
Variant type: single nucleotide variant.
Coding change: c.1483A>T on transcript NM_000512.5 (MANE Select); coding-DNA position 1483, A replaced by T.
Protein change: p.Asn495Tyr; replaces asparagine 495 with tyrosine.
Molecular consequence: missense variant.
Genome position (GRCh38, 1-based): chr16:88,814,525, T>A on the plus strand (A>T on the coding strand, the complement: GALNS is on the minus strand). VCF-style: chr16-88814525-T-A. GRCh37 (hg19) VCF-style: chr16-88880933-T-A.
Other names: c.928A>T, p.Asn310Tyr (NM_001323543.2); c.1501A>T, p.Asn501Tyr (NM_001323544.2); short protein forms N310Y, N495Y, N501Y.
Identifiers: ClinVar variation 1048338 (VCV001048338.12), dbSNP rs1404888504, ClinGen allele CA397092717.